The following is an entry in ClinVar:

ClinVar aggregate classification (germline): Likely benign. Review status: criteria provided, multiple submitters, no conflicts (2 of 4 stars). 3 submissions from 3 submitters: Likely benign (3). Last evaluated 2026-01-21.

Conditions:
Intellectual developmental disorder, autosomal dominant 1. Also called: Intellectual disability, autosomal dominant 1; MBD5 Haploinsufficiency. Identifiers: Orphanet 228402, MedGen C1969562, MONDO:0007974, OMIM 156200.

Allele frequency attached by ClinVar (database versions not stated): ESP Exome Variant Server 0.00008; TOPMed 0.00005; ExAC 0.00009.
gnomAD v4.1: 223 of 1,614,106 alleles (0.014%); highest among the groups gnomAD compares: Non-Finnish European, 0.019%; 1 homozygote.

Submissions (3):

Labcorp Genetics (formerly Invitae), Labcorp
Classification: Likely benign for Intellectual developmental disorder, autosomal dominant 1. Last evaluated: 2026-01-21. Review status: criteria provided, single submitter. Criteria: Invitae Variant Classification Sherloc (09022015). Collection method: clinical testing. Allele origin: germline.

CeGaT Center for Human Genetics Tuebingen
Classification: Likely benign. Last evaluated: 2024-10-01. Review status: criteria provided, single submitter. Criteria: CeGaT Center For Human Genetics Tuebingen Variant Classification Criteria Version 2. Collection method: clinical testing. Allele origin: germline. Affected: yes. Observed: 1 variant allele.
Comment: MBD5: BP4, BP7

GeneDx
Classification: Likely benign. Last evaluated: 2021-06-04. Review status: criteria provided, single submitter. Criteria: GeneDx Variant Classification Process June 2021. Collection method: clinical testing. Allele origin: germline. Affected: yes.

NM_001378120.1(MBD5):c.4935A>G (p.Ser1645=)

Gene: MBD5 (methyl-CpG binding domain protein 5; plus strand). Cytogenetic location: 2q23.1.
Variant type: single nucleotide variant.
Coding change: c.4935A>G on transcript NM_001378120.1 (MANE Select); coding-DNA position 4935, A replaced by G.
Protein change: p.Ser1645=; no amino-acid change (serine 1645 retained).
Molecular consequence: synonymous variant.
Genome position (GRCh38, 1-based): chr2:148,490,567, A>G. VCF-style: chr2-148490567-A-G. GRCh37 (hg19) VCF-style: chr2-149248136-A-G.
Other names: c.4236A>G, p.Ser1412= (NM_018328.5).
Identifiers: ClinVar variation 696337 (VCV000696337.27), dbSNP rs149419174, ClinGen allele CA1900487.